The following is an entry in ClinVar:

ClinVar aggregate classification (germline): Pathogenic. Review status: criteria provided, multiple submitters, no conflicts (2 of 4 stars). 2 submissions from 2 submitters: Pathogenic (2). Last evaluated 2023-06-12.

Conditions:
Hereditary diffuse gastric adenocarcinoma (HDGC). Also called: DIFFUSE GASTRIC AND LOBULAR BREAST CANCER SYNDROME. Identifiers: Orphanet 26106, MedGen C1708349, MONDO:0007648, OMIM 137215.

Submissions (2):

Myriad Genetics, Inc.
Classification: Pathogenic for Hereditary diffuse gastric adenocarcinoma. Last evaluated: 2023-06-12. Review status: criteria provided, single submitter. Criteria: Myriad Autosomal Dominant, Autosomal Recessive and X-Linked Classification Criteria (2023). Collection method: clinical testing. Allele origin: unknown.
Comment: This variant is considered pathogenic. This variant creates a frameshift predicted to result in premature protein truncation.

Labcorp Genetics (formerly Invitae), Labcorp
Classification: Pathogenic for Hereditary diffuse gastric adenocarcinoma. Last evaluated: 2022-08-21. Review status: criteria provided, single submitter. Criteria: Invitae Variant Classification Sherloc (09022015). Collection method: clinical testing. Allele origin: germline.
Comment: This sequence change creates a premature translational stop signal (p.His233Glnfs*11) in the CDH1 gene. It is expected to result in an absent or disrupted protein product. Loss-of-function variants in CDH1 are known to be pathogenic (PMID: 15235021, 20373070). This variant is not present in population databases (gnomAD no frequency). This variant has not been reported in the literature in individuals affected with CDH1-related conditions. For these reasons, this variant has been classified as Pathogenic.

Literature cited by the submitters: PubMed 15235021 (cited by Labcorp Genetics (formerly Invitae), Labcorp); PubMed 20373070 (cited by Labcorp Genetics (formerly Invitae), Labcorp).

NM_004360.5(CDH1):c.698dup (p.His233fs)

Gene: CDH1 (cadherin 1; plus strand). Cytogenetic location: 16q22.1.
Variant type: Duplication.
Coding change: c.698dup on transcript NM_004360.5 (MANE Select); coding-DNA position 698, one base duplicated (A; older notation c.698dupA).
Protein change: p.His233fs; shifts the reading frame from histidine 233.
Molecular consequence: frameshift variant. On other transcripts: 5 prime UTR variant (2).
Genome position (GRCh38, 1-based): chr16:68,810,207, A duplicated. VCF-style (leftmost placement, unchanged base first): chr16-68810206-C-CA. GRCh37 (hg19) VCF-style: chr16-68844109-C-CA.
Other names: c.698dup, p.His233fs (NM_001317184.2); c.-918dup (NM_001317185.2); c.-1122dup (NM_001317186.2); short protein forms H233fs.
Identifiers: ClinVar variation 2021694 (VCV002021694.6), dbSNP rs2543918722, ClinGen allele CA2580091954.